The following is an entry in ClinVar:

NM_004130.4(GYG1):c.977A>G (p.Glu326Gly)

Gene: GYG1 (glycogenin 1; plus strand). Cytogenetic location: 3q24.
Variant type: single nucleotide variant.
Coding change: c.977A>G on transcript NM_004130.4 (MANE Select); coding-DNA position 977, A replaced by G.
Protein change: p.Glu326Gly; replaces glutamic acid 326 with glycine.
Molecular consequence: missense variant.
Genome position (GRCh38, 1-based): chr3:149,026,857, A>G. VCF-style: chr3-149026857-A-G. GRCh37 (hg19) VCF-style: chr3-148744644-A-G.
Other names: p.Glu326Gly; c.926A>G, p.Glu309Gly (NM_001184720.2); c.706A>G, p.Asn236Asp (NM_001184721.2); short protein forms E309G, E326G, N236D.
Identifiers: ClinVar variation 2682846 (VCV002682846.1), dbSNP rs779188409, ClinGen allele CA2658729.

ClinVar aggregate classification (germline): Uncertain significance (1 of 4 stars; one submission).

Allele frequency attached by ClinVar (database versions not stated): ExAC 0.00001.

Submission:

Mayo Clinic Laboratories, Mayo Clinic
Classification: Uncertain significance. Last evaluated: 2022-11-23. Review status: criteria provided, single submitter. Criteria: ACMG Guidelines, 2015. Collection method: clinical testing. Allele origin: germline. Observed: 1 variant allele.
Comment: PP3, PM2